The following is an entry in ClinVar:

ClinVar aggregate classification (germline): Uncertain significance (1 of 4 stars; one submission).

Conditions:
Gorlin syndrome. Also called: Nevoid Basal Cell Carcinoma Syndrome; Basal cell nevus syndrome. Identifiers: Orphanet 377, MedGen C0004779, MONDO:0007187.
Medulloblastoma (MDB). Also called: Medulloblastoma, somatic; MEDULLOBLASTOMA PREDISPOSITION SYNDROME. Identifiers: Orphanet 616, MedGen C0025149, MeSH D008527, MONDO:0007959, OMIM 155255, HP:0002885.

Submission:

Labcorp Genetics (formerly Invitae), Labcorp
Classification: Uncertain significance for Gorlin syndrome; Medulloblastoma. Last evaluated: 2025-02-10. Review status: criteria provided, single submitter. Criteria: Invitae Variant Classification Sherloc (09022015). Collection method: clinical testing. Allele origin: germline.
Comment: This sequence change falls in intron 11 of the SUFU gene. It does not directly change the encoded amino acid sequence of the SUFU protein. It affects a nucleotide within the consensus splice site. This variant is not present in population databases (gnomAD no frequency). This variant has not been reported in the literature in individuals affected with SUFU-related conditions. ClinVar contains an entry for this variant (Variation ID: 2921809). Variants that disrupt the consensus splice site are a relatively common cause of aberrant splicing (PMID: 17576681, 9536098). Algorithms developed to predict the effect of sequence changes on RNA splicing suggest that this variant is not likely to affect RNA splicing. In summary, the available evidence is currently insufficient to determine the role of this variant in disease. Therefore, it has been classified as a Variant of Uncertain Significance.

Literature cited by the submitters: PubMed 17576681; PubMed 9536098.

NM_016169.4(SUFU):c.1365+6C>T

Gene: SUFU (SUFU negative regulator of hedgehog signaling; plus strand). Cytogenetic location: 10q24.32.
Variant type: single nucleotide variant.
Coding change: c.1365+6C>T on transcript NM_016169.4 (MANE Select); 6 bases into the intron after coding-DNA position 1365, C replaced by T.
Molecular consequence: intron variant.
Genome position (GRCh38, 1-based): chr10:102,627,249, C>T. VCF-style: chr10-102627249-C-T. GRCh37 (hg19) VCF-style: chr10-104387006-C-T.
Identifiers: ClinVar variation 2921809 (VCV002921809.3), dbSNP rs2063794144, ClinGen allele CA2740093536.